The following is an entry in ClinVar:

NM_173689.7(CRB2):c.3310G>A (p.Ala1104Thr)

Gene: CRB2 (crumbs cell polarity complex component 2; plus strand). Cytogenetic location: 9q33.3.
Variant type: single nucleotide variant.
Coding change: c.3310G>A on transcript NM_173689.7 (MANE Select); coding-DNA position 3310, G replaced by A.
Protein change: p.Ala1104Thr; replaces alanine 1104 with threonine.
Molecular consequence: missense variant. On other transcripts: non-coding transcript variant (1).
Genome position (GRCh38, 1-based): chr9:123,373,841, G>A. VCF-style: chr9-123373841-G-A. GRCh37 (hg19) VCF-style: chr9-126136120-G-A.
Other names: short protein forms A1104T.
Identifiers: ClinVar variation 3350443 (VCV003350443.2).

ClinVar aggregate classification (germline): Uncertain significance. Review status: criteria provided, single submitter (1 of 4 stars). 2 submissions from 2 submitters: Uncertain significance (1). 1 of the submissions does not count toward it. Last evaluated 2025-07-23.

Conditions:
CRB2-related disorder. Also called: CRB2-related disorders; CRB2-related condition.

gnomAD v4.1: 38 of 1,566,452 alleles (0.0024%); highest among the groups gnomAD compares: Middle Eastern, 0.083%; no homozygotes.

Submissions (2):

Labcorp Genetics (formerly Invitae), Labcorp
Classification: Uncertain significance. Last evaluated: 2025-07-23. Review status: criteria provided, single submitter. Criteria: Invitae Variant Classification Sherloc (09022015). Collection method: clinical testing. Allele origin: germline.
Comment: This sequence change replaces alanine, which is neutral and non-polar, with threonine, which is neutral and polar, at codon 1104 of the CRB2 protein (p.Ala1104Thr). The frequency data for this variant in the population databases is considered unreliable, as metrics indicate poor data quality at this position in the gnomAD database. This variant has not been reported in the literature in individuals affected with CRB2-related conditions. ClinVar contains an entry for this variant (Variation ID: 3350443). Invitae Evidence Modeling of protein sequence and biophysical properties (such as structural, functional, and spatial information, amino acid conservation, physicochemical variation, residue mobility, and thermodynamic stability) indicates that this missense variant is not expected to disrupt CRB2 protein function with a negative predictive value of 80%. In summary, the available evidence is currently insufficient to determine the role of this variant in disease. Therefore, it has been classified as a Variant of Uncertain Significance.

PreventionGenetics, part of Exact Sciences
Classification: Uncertain significance for CRB2-related condition. Last evaluated: 2024-08-15. Review status: no assertion criteria provided. Collection method: clinical testing. Allele origin: germline. Not counted in ClinVar's aggregate classification.
Comment: The CRB2 c.3310G>A variant is predicted to result in the amino acid substitution p.Ala1104Thr. To our knowledge, this variant has not been reported in the literature. This variant is reported in 0.0028% of alleles in individuals of European (Non-Finnish) descent in gnomAD. At this time, the clinical significance of this variant is uncertain due to the absence of conclusive functional and genetic evidence.